The following is an entry in ClinVar:

ClinVar aggregate classification (germline): Pathogenic (1 of 4 stars; one submission).

Submission:

Labcorp Genetics (formerly Invitae), Labcorp
Classification: Pathogenic. Last evaluated: 2024-03-27. Review status: criteria provided, single submitter. Criteria: Invitae Variant Classification Sherloc (09022015). Collection method: clinical testing. Allele origin: germline.
Comment: This sequence change creates a premature translational stop signal (p.Leu289Cysfs*46) in the GNAS gene. While this is not anticipated to result in nonsense mediated decay, it is expected to disrupt the last 106 amino acid(s) of the GNAS protein. This variant is not present in population databases (gnomAD no frequency). This variant has not been reported in the literature in individuals affected with GNAS-related conditions. This variant disrupts a region of the GNAS protein in which other variant(s) (p.Glu392Lys) have been determined to be pathogenic (PMID: 12970262, 21488135, 21525160, 24651309). This suggests that this is a clinically significant region of the protein, and that variants that disrupt it are likely to be disease-causing. For these reasons, this variant has been classified as Pathogenic.

Literature cited by the submitters: PubMed 12970262; PubMed 21488135; PubMed 21525160; PubMed 24651309.

NM_000516.7(GNAS):c.865del (p.Leu289fs)

Gene: GNAS (GNAS complex locus; plus strand). Cytogenetic location: 20q13.32.
Variant type: Deletion.
Coding change: c.865del on transcript NM_000516.7 (MANE Select); coding-DNA position 865, one base deleted (C; older notation c.865delC).
Protein change: p.Leu289fs; shifts the reading frame from leucine 289.
Molecular consequence: frameshift variant. On other transcripts: 3 prime UTR variant (2).
Genome position (GRCh38, 1-based): chr20:58,909,976, C deleted; the last of 2 consecutive C bases (chr20:58,909,975-58,909,976); deleting either gives the same sequence. VCF-style (leftmost placement, unchanged base first): chr20-58909974-TC-T. GRCh37 (hg19) VCF-style: chr20-57485029-TC-T.
Other names: c.868del, p.Leu290fs (NM_001077488.5); c.820del, p.Leu274fs (NM_001077489.4); c.*726del (NM_001077490.3); c.688del, p.Leu230fs (NM_001309840.2, NM_001309861.2); c.769del, p.Leu257fs (NM_001410912.1); c.2749del, p.Leu917fs (NM_001410913.1); c.*771del (NM_016592.5); c.2794del, p.Leu932fs (NM_080425.4); and 1 more; short protein forms L289fs, L275fs, L290fs, L917fs, L230fs, L932fs, L257fs, L274fs.
Identifiers: ClinVar variation 3643455 (VCV003643455.2).